The following is an entry in ClinVar:

ClinVar aggregate classification (germline): Uncertain significance. Review status: criteria provided, multiple submitters, no conflicts (2 of 4 stars). 3 submissions from 3 submitters: Uncertain significance (3). Last evaluated 2024-07-20.

Conditions:
Inborn genetic diseases. Identifiers: MedGen C0950123, MeSH D030342.
Focal segmental glomerulosclerosis 7 (FSGS7). Identifiers: Orphanet 656, MedGen C4014925, MONDO:0014451, OMIM 616002.
Renal coloboma syndrome (PAPRS). Also called: OPTIC COLOBOMA, VESICOURETERAL REFLUX, AND RENAL ANOMALIES; OPTIC NERVE COLOBOMA WITH RENAL DISEASE; RENAL-COLOBOMA SYNDROME WITH MACULAR ABNORMALITIES; PAPILLORENAL SYNDROME; COLOBOMA OF OPTIC NERVE WITH RENAL DISEASE; PAPILLORENAL SYNDROME WITH MILD OCULAR ABNORMALITIES. Identifiers: Orphanet 1475, MedGen C1852759, MONDO:0007352, OMIM 120330.

Allele frequency attached by ClinVar (database versions not stated): gnomAD exomes below 0.00001.
gnomAD v4.1: 1 of 1,614,128 alleles (0.000062%); highest among the groups gnomAD compares: Non-Finnish European, 0.000085%; no homozygotes.

Submissions (3):

Labcorp Genetics (formerly Invitae), Labcorp
Classification: Uncertain significance for Renal coloboma syndrome; Focal segmental glomerulosclerosis 7. Last evaluated: 2024-07-20. Review status: criteria provided, single submitter. Criteria: Invitae Variant Classification Sherloc (09022015). Collection method: clinical testing. Allele origin: germline.
Comment: This sequence change replaces isoleucine, which is neutral and non-polar, with valine, which is neutral and non-polar, at codon 123 of the PAX2 protein (p.Ile123Val). This variant is not present in population databases (gnomAD no frequency). This variant has not been reported in the literature in individuals affected with PAX2-related conditions. ClinVar contains an entry for this variant (Variation ID: 2009794). Experimental studies and prediction algorithms are not available or were not evaluated, and the functional significance of this variant is currently unknown. In summary, the available evidence is currently insufficient to determine the role of this variant in disease. Therefore, it has been classified as a Variant of Uncertain Significance.

Blueprint Genetics
Classification: Uncertain significance. Last evaluated: 2024-05-03. Review status: criteria provided, single submitter. Criteria: ACMG Guidelines, 2015. Collection method: clinical testing. Allele origin: germline.

Ambry Genetics
Classification: Uncertain significance for Inborn genetic diseases. Last evaluated: 2024-03-28. Review status: criteria provided, single submitter. Criteria: Ambry Variant Classification Scheme 2023. Collection method: clinical testing. Allele origin: germline.

NM_000278.5(PAX2):c.367A>G (p.Ile123Val)

Gene: PAX2 (paired box 2; plus strand). Cytogenetic location: 10q24.31.
Variant type: single nucleotide variant.
Coding change: c.367A>G on transcript NM_000278.5 (MANE Select); coding-DNA position 367, A replaced by G.
Protein change: p.Ile123Val; replaces isoleucine 123 with valine.
Molecular consequence: missense variant.
Genome position (GRCh38, 1-based): chr10:100,750,848, A>G. VCF-style: chr10-100750848-A-G. GRCh37 (hg19) VCF-style: chr10-102510605-A-G.
Other names: c.460A>G, p.Ile154Val (NM_001304569.2); c.367A>G, p.Ile123Val (NM_003987.5, NM_003988.5, NM_003989.5 and 1 more transcripts); c.367A>G (NM_003987.3); short protein forms I123V, I154V.
Identifiers: ClinVar variation 2009794 (VCV002009794.6), dbSNP rs2492900126, ClinGen allele CA378258122.